The following is an entry in ClinVar:

NM_004525.3(LRP2):c.2233G>A (p.Gly745Arg)

Gene: LRP2 (LDL receptor related protein 2; minus strand). Cytogenetic location: 2q31.1.
Variant type: single nucleotide variant.
Coding change: c.2233G>A on transcript NM_004525.3 (MANE Select); coding-DNA position 2233, G replaced by A.
Protein change: p.Gly745Arg; replaces glycine 745 with arginine.
Molecular consequence: missense variant.
Genome position (GRCh38, 1-based): chr2:169,270,991, C>T on the plus strand (G>A on the coding strand, the complement: LRP2 is on the minus strand). VCF-style: chr2-169270991-C-T. GRCh37 (hg19) VCF-style: chr2-170127501-C-T.
Other names: short protein forms G745R.
Identifiers: ClinVar variation 5001020 (VCV005001020.1).
Genomic context (GRCh38, chr2:169,270,991, plus strand): 5'-TCATGTGTTTTGACATATCTGAAAAAAAGATAGTGCTGTCCTGGGCGTCAAAATCAATCC[C>T]GACAAAGAAAGAAGGATTCCCCGAAACTGGAACCATGACATCTTCCTGGGTAGACAAGGT-3'
Protein context (NP_004516.2, residues 735-755): PVSGNPSFFV[Gly745Arg]IDFDAQDSTI

ClinVar aggregate classification (germline): Uncertain significance (1 of 4 stars; one submission).

Conditions:
LRP2-related disorder. Also called: LRP2-related condition.

gnomAD v4.1: 6 of 1,613,200 alleles (0.00037%); highest among the groups gnomAD compares: Middle Eastern, 0.017%; no homozygotes.

Submission:

PreventionGenetics, part of Exact Sciences
Classification: Uncertain significance for LRP2-related condition. Last evaluated: 2025-04-29. Review status: criteria provided, single submitter. Criteria: ACMG Guidelines, 2015. Collection method: clinical testing. Allele origin: germline.
Comment: The LRP2 c.2233G>A variant is predicted to result in the amino acid substitution p.Gly745Arg. To our knowledge, this variant has not been reported in the literature. This variant is reported in 0.0018% of alleles in individuals of European (Non-Finnish) descent in gnomAD. At this time, the clinical significance of this variant is uncertain due to the absence of conclusive functional and genetic evidence.